The following is an entry in ClinVar:

NM_003200.5(TCF3):c.104G>A (p.Gly35Asp)

Gene: TCF3 (transcription factor 3; minus strand). Cytogenetic location: 19p13.3.
Variant type: single nucleotide variant.
Coding change: c.104G>A on transcript NM_003200.5 (MANE Select); coding-DNA position 104, G replaced by A.
Protein change: p.Gly35Asp; replaces glycine 35 with aspartic acid.
Molecular consequence: missense variant.
Genome position (GRCh38, 1-based): chr19:1,646,396, C>T on the plus strand (G>A on the coding strand, the complement: TCF3 is on the minus strand). VCF-style: chr19-1646396-C-T. GRCh37 (hg19) VCF-style: chr19-1646395-C-T.
Other names: c.104G>A, p.Gly35Asp (NM_001136139.4, NM_001351778.2, NM_001351779.2); short protein forms G35D.
Identifiers: ClinVar variation 1898354 (VCV001898354.5), dbSNP rs1311327935, ClinGen allele CA403080295.

ClinVar aggregate classification (germline): Uncertain significance (1 of 4 stars; one submission).

Allele frequency attached by ClinVar (database versions not stated): gnomAD exomes 0.00001; gnomAD 0.00002; TOPMed 0.00003.
gnomAD v4.1: 7 of 1,550,186 alleles (0.00045%); highest among the groups gnomAD compares: East Asian, 0.017%; no homozygotes.

Submission:

Labcorp Genetics (formerly Invitae), Labcorp
Classification: Uncertain significance. Last evaluated: 2022-06-04. Review status: criteria provided, single submitter. Criteria: Invitae Variant Classification Sherloc (09022015). Collection method: clinical testing. Allele origin: germline.
Comment: This variant is present in population databases (no rsID available, gnomAD 0.07%). This variant has not been reported in the literature in individuals affected with TCF3-related conditions. Algorithms developed to predict the effect of missense changes on protein structure and function are either unavailable or do not agree on the potential impact of this missense change (SIFT: "Not Available"; PolyPhen-2: "Possibly Damaging"; Align-GVGD: "Not Available"). In summary, the available evidence is currently insufficient to determine the role of this variant in disease. Therefore, it has been classified as a Variant of Uncertain Significance. This sequence change replaces glycine, which is neutral and non-polar, with aspartic acid, which is acidic and polar, at codon 35 of the TCF3 protein (p.Gly35Asp).